The following is an entry in ClinVar:

NM_001458.5(FLNC):c.1466_1472del (p.Val489fs)

Gene: FLNC (filamin C; plus strand). Cytogenetic location: 7q32.1.
Variant type: Deletion.
Coding change: c.1466_1472del on transcript NM_001458.5 (MANE Select); coding-DNA positions 1466 to 1472, 7 bases deleted (TTCGCGT; older notation c.1466_1472delTTCGCGT).
Protein change: p.Val489fs; shifts the reading frame from valine 489.
Molecular consequence: frameshift variant.
Genome position (GRCh38, 1-based): chr7:128,840,077-128,840,083, TTCGCGT deleted. VCF-style (leftmost placement, unchanged base first): chr7-128840076-GTTCGCGT-G. GRCh37 (hg19) VCF-style: chr7-128480130-GTTCGCGT-G.
Other names: c.1466_1472del, p.Val489fs (NM_001127487.2); short protein forms V489fs.
Identifiers: ClinVar variation 3763453 (VCV003763453.2).

ClinVar aggregate classification (germline): Pathogenic (1 of 4 stars; one submission).

Conditions:
Hypertrophic cardiomyopathy 26. Also called: Cardiomyopathy, familial hypertrophic, 26. Identifiers: Orphanet 75249, MedGen C4310749, MONDO:0014883, OMIM 617047.
Myofibrillar myopathy 5. Also called: Filaminopathy (type); FILAMINOPATHY, AUTOSOMAL DOMINANT. Identifiers: Orphanet 171445, MedGen C1836050, MONDO:0012289, OMIM 609524.
Distal myopathy with posterior leg and anterior hand involvement. Also called: WILLIAMS DISTAL MYOPATHY. Identifiers: Orphanet 63273, MedGen C3279722, MONDO:0013550, OMIM 614065.

Submission:

Labcorp Genetics (formerly Invitae), Labcorp
Classification: Pathogenic for Distal myopathy with posterior leg and anterior hand involvement; Myofibrillar myopathy 5; Hypertrophic cardiomyopathy 26. Last evaluated: 2024-06-25. Review status: criteria provided, single submitter. Criteria: Invitae Variant Classification Sherloc (09022015). Collection method: clinical testing. Allele origin: germline.
Comment: This sequence change creates a premature translational stop signal (p.Val489Glyfs*33) in the FLNC gene. It is expected to result in an absent or disrupted protein product. Loss-of-function variants in FLNC are known to be pathogenic (PMID: 27908349). This variant is not present in population databases (gnomAD no frequency). This premature translational stop signal has been observed in individual(s) with dilated cardiomyopathy (PMID: 32112656). For these reasons, this variant has been classified as Pathogenic.

Literature cited by the submitters: PubMed 27908349; PubMed 32112656.